The following is an entry in ClinVar:

ClinVar aggregate classification (germline): Uncertain significance (1 of 4 stars; one submission).

gnomAD v4.1: 1 of 1,468,042 alleles (0.000068%); highest among the groups gnomAD compares: East Asian, 0.003%; no homozygotes.

Submission:

GeneDx
Classification: Uncertain significance. Last evaluated: 2023-05-22. Review status: criteria provided, single submitter. Criteria: GeneDx Variant Classification Process June 2021. Collection method: clinical testing. Allele origin: germline. Affected: yes.
Comment: Not observed at significant frequency in large population cohorts (gnomAD); In silico analysis supports that this missense variant does not alter protein structure/function; Has not been previously published as pathogenic or benign to our knowledge; This variant is associated with the following publications: (PMID: 21139634, 26094131)

NM_014946.4(SPAST):c.382T>G (p.Ser128Ala)

Gene: SPAST (spastin; plus strand). Cytogenetic location: 2p22.3.
Variant type: single nucleotide variant.
Coding change: c.382T>G on transcript NM_014946.4 (MANE Select); coding-DNA position 382, T replaced by G.
Protein change: p.Ser128Ala; replaces serine 128 with alanine.
Molecular consequence: missense variant.
Genome position (GRCh38, 1-based): chr2:32,064,213, T>G. VCF-style: chr2-32064213-T-G. GRCh37 (hg19) VCF-style: chr2-32289282-T-G.
Other names: c.382T>G, p.Ser128Ala (NM_001363823.2, NM_001363875.2, NM_001377959.1 and 1 more transcripts); short protein forms S128A.
Identifiers: ClinVar variation 3343705 (VCV003343705.1).